The following is an entry in ClinVar:

ClinVar aggregate classification (germline): Uncertain significance. Review status: criteria provided, multiple submitters, no conflicts (2 of 4 stars). 2 submissions from 2 submitters: Uncertain significance (2). Last evaluated 2025-09-30.

Conditions:
Inborn genetic diseases. Identifiers: MedGen C0950123, MeSH D030342.

Allele frequency attached by ClinVar (database versions not stated): gnomAD 0.00001.
gnomAD v4.1: 3 of 1,561,476 alleles (0.00019%); highest among the groups gnomAD compares: African/African-American, 0.0014%; no homozygotes.

Submissions (2):

GeneDx
Classification: Uncertain significance. Last evaluated: 2025-09-30. Review status: criteria provided, single submitter. Criteria: GeneDx Variant Classification Process June 2021. Collection method: clinical testing. Allele origin: germline.
Comment: Not observed at significant frequency in large population cohorts (gnomAD); In silico analysis supports that this missense variant has a deleterious effect on protein structure/function; Has not been previously published as pathogenic or benign to our knowledge

Ambry Genetics
Classification: Uncertain significance for Inborn genetic diseases. Last evaluated: 2023-02-16. Review status: criteria provided, single submitter. Criteria: Ambry Variant Classification Scheme 2023. Collection method: clinical testing. Allele origin: germline.

NM_006593.4(TBR1):c.1375C>G (p.Arg459Gly)

Gene: TBR1 (T-box brain transcription factor 1; plus strand). Cytogenetic location: 2q24.2.
Variant type: single nucleotide variant.
Coding change: c.1375C>G on transcript NM_006593.4 (MANE Select); coding-DNA position 1375, C replaced by G.
Protein change: p.Arg459Gly; replaces arginine 459 with glycine.
Molecular consequence: missense variant.
Genome position (GRCh38, 1-based): chr2:161,423,553, C>G. VCF-style: chr2-161423553-C-G. GRCh37 (hg19) VCF-style: chr2-162280064-C-G.
Other names: short protein forms R459G.
Identifiers: ClinVar variation 2486210 (VCV002486210.4), dbSNP rs778517965, ClinGen allele CA349213579.